The following is an entry in ClinVar:

ClinVar aggregate classification (germline): Uncertain significance (1 of 4 stars; one submission).

Allele frequency attached by ClinVar (database versions not stated): gnomAD exomes below 0.00001; TOPMed 0.00004.
gnomAD v4.1: 5 of 1,613,698 alleles (0.00031%); highest among the groups gnomAD compares: East Asian, 0.0022%; no homozygotes.

Submission:

Women's Health and Genetics/Laboratory Corporation of America, LabCorp
Classification: Uncertain significance. Last evaluated: 2021-07-12. Review status: criteria provided, single submitter. Criteria: LabCorp Variant Classification Summary - May 2015. Collection method: clinical testing. Allele origin: germline.
Comment: Variant summary: DTNA c.2214+5A>G alters a non-conserved nucleotide located close to a canonical splice site and therefore could affect mRNA splicing, leading to a significantly altered protein sequence. The variant allele was found at a frequency of 4e-06 in 250768 control chromosomes. The available data on variant occurrences in the general population are insufficient to allow any conclusion about variant significance. To our knowledge, no occurrence of c.2214+5A>G in individuals affected with Left Ventricular Noncompaction and no experimental evidence demonstrating its impact on protein function have been reported. No clinical diagnostic laboratories have submitted clinical-significance assessments for this variant to ClinVar after 2014. Based on the evidence outlined above, the variant was classified as uncertain significance.

NM_001386795.1(DTNA):c.2295+5A>G

Gene: DTNA (dystrobrevin alpha; plus strand). Cytogenetic location: 18q12.1.
Variant type: single nucleotide variant.
Coding change: c.2295+5A>G on transcript NM_001386795.1 (MANE Select); 5 bases into the intron after coding-DNA position 2295, A replaced by G.
Molecular consequence: intron variant.
Genome position (GRCh38, 1-based): chr18:34,882,206, A>G. VCF-style: chr18-34882206-A-G. GRCh37 (hg19) VCF-style: chr18-32462170-A-G.
Other names: c.2124+5A>G (NM_001386758.1, NM_001386759.1, NM_001386754.1 and 3 more transcripts); c.2031+5A>G (NM_001386769.1, NM_001386768.1); c.2034+5A>G (NM_001198940.2, NM_001386765.1, NM_001198938.2 and 5 more transcripts); c.2295+5A>G (NM_001386788.1); c.2043+5A>G (NM_032975.4, NM_001386761.1); c.2040+5A>G (NM_001386762.1); c.2121+5A>G (NM_001386760.1); c.2055+5A>G (NM_001198939.2); and 5 more.
Identifiers: ClinVar variation 1192204 (VCV001192204.1), dbSNP rs191417978, ClinGen allele CA297767955.